The following is an entry in ClinVar:

ClinVar aggregate classification (germline): Uncertain significance. Review status: criteria provided, multiple submitters, no conflicts (2 of 4 stars). 6 submissions from 6 submitters: Uncertain significance (6). Last evaluated 2025-01-18.

Conditions:
Spastic paraplegia. Identifiers: MedGen C0037772, HP:0001258.
Hereditary spastic paraplegia 5A (SPG5A). Also called: SPASTIC PARAPLEGIA 5A, AUTOSOMAL RECESSIVE. Identifiers: Orphanet 100986, MedGen C1849115, MONDO:0010047, OMIM 270800.

Allele frequency attached by ClinVar (database versions not stated): gnomAD exomes 0.00011 and 0.00019; gnomAD 0.00016; TOPMed 0.00016; ExAC 0.00017; 1000 Genomes Project 0.00020; ESP Exome Variant Server 0.00023; 1000 Genomes Project 30x 0.00031.
gnomAD v4.1: 296 of 1,613,492 alleles (0.018%); highest among the groups gnomAD compares: Non-Finnish European, 0.024%; no homozygotes.

Submissions (6):

Mayo Clinic Laboratories, Mayo Clinic
Classification: Uncertain significance. Last evaluated: 2025-01-18. Review status: criteria provided, single submitter. Criteria: ACMG Guidelines, 2015. Collection method: clinical testing. Allele origin: germline. Observed: 1 variant allele.

Blueprint Genetics
Classification: Uncertain significance. Last evaluated: 2024-11-21. Review status: criteria provided, single submitter. Criteria: ACMG Guidelines, 2015. Collection method: clinical testing. Allele origin: germline.

GeneDx
Classification: Uncertain significance. Last evaluated: 2024-05-01. Review status: criteria provided, single submitter. Criteria: GeneDx Variant Classification Process June 2021. Collection method: clinical testing. Allele origin: germline. Affected: yes.
Comment: In silico analysis indicates that this missense variant does not alter protein structure/function; In silico analysis suggests this variant may impact gene splicing. In the absence of RNA/functional studies, the actual effect of this sequence change is unknown.; This variant is associated with the following publications: (PMID: 28362824)

Labcorp Genetics (formerly Invitae), Labcorp
Classification: Uncertain significance for Spastic paraplegia. Last evaluated: 2024-01-29. Review status: criteria provided, single submitter. Criteria: Invitae Variant Classification Sherloc (09022015). Collection method: clinical testing. Allele origin: germline.
Comment: This sequence change replaces arginine, which is basic and polar, with glutamine, which is neutral and polar, at codon 310 of the CYP7B1 protein (p.Arg310Gln). This variant is present in population databases (rs201867790, gnomAD 0.03%). This variant has not been reported in the literature in individuals affected with CYP7B1-related conditions. ClinVar contains an entry for this variant (Variation ID: 363584). Advanced modeling of protein sequence and biophysical properties (such as structural, functional, and spatial information, amino acid conservation, physicochemical variation, residue mobility, and thermodynamic stability) performed at Invitae indicates that this missense variant is not expected to disrupt CYP7B1 protein function with a negative predictive value of 80%. Algorithms developed to predict the effect of sequence changes on RNA splicing suggest that this variant may disrupt the consensus splice site. In summary, the available evidence is currently insufficient to determine the role of this variant in disease. Therefore, it has been classified as a Variant of Uncertain Significance.

CeGaT Center for Human Genetics Tuebingen
Classification: Uncertain significance. Last evaluated: 2018-08-01. Review status: criteria provided, single submitter. Criteria: CeGaT Center For Human Genetics Tuebingen Variant Classification Criteria Version 2. Collection method: clinical testing. Allele origin: germline. Affected: yes. Observed: 1 variant allele.

Illumina Laboratory Services, Illumina
Classification: Uncertain significance for Hereditary spastic paraplegia 5A. Last evaluated: 2018-01-12. Review status: criteria provided, single submitter. Criteria: ICSL Variant Classification Criteria 13 December 2019. Collection method: clinical testing. Allele origin: germline.

Literature cited by the submitters: PubMed 28362824 (cited by Mayo Clinic Laboratories, Mayo Clinic).

NM_004820.5(CYP7B1):c.929G>A (p.Arg310Gln)

Gene: CYP7B1 (cytochrome P450 family 7 subfamily B member 1; minus strand). Cytogenetic location: 8q12.3.
Variant type: single nucleotide variant.
Coding change: c.929G>A on transcript NM_004820.5 (MANE Select); coding-DNA position 929, G replaced by A.
Protein change: p.Arg310Gln; replaces arginine 310 with glutamine.
Molecular consequence: missense variant.
Genome position (GRCh38, 1-based): chr8:64,615,154, C>T on the plus strand (G>A on the coding strand, the complement: CYP7B1 is on the minus strand). VCF-style: chr8-64615154-C-T. GRCh37 (hg19) VCF-style: chr8-65527711-C-T.
Other names: p.Arg310Gln; c.929G>A, p.Arg310Gln (NM_001324112.2); short protein forms R310Q.
Identifiers: ClinVar variation 363584 (VCV000363584.52), dbSNP rs201867790, ClinGen allele CA4764110.
Genomic context (GRCh38, chr8:64,615,154, plus strand): 5'-CCTGTTGACTGCAGCAAACGGTCAATTTCGTCACGCACTGCTGCCATAGCTTCTGGGTGC[C>T]GCAGAAGATAATACATTGCCCAGAACATAGTTGGAATAGTGTTTGCCACAGAGGCCCAGA-3'
Protein context (NP_004811.1, residues 300-320): TMFWAMYYLL[Arg310Gln]HPEAMAAVRD